The following is an entry in ClinVar:

ClinVar aggregate classification (germline): Conflicting classifications of pathogenicity. Review status: criteria provided, conflicting classifications (1 of 4 stars). 2 submissions from 2 submitters: Pathogenic (1); Uncertain significance (1). Last evaluated 2025-11-10.

Submissions (2):

Women's Health and Genetics/Laboratory Corporation of America, LabCorp
Classification: Uncertain significance. Last evaluated: 2025-11-10. Review status: criteria provided, single submitter. Criteria: LabCorp Variant Classification Summary - May 2015. Collection method: clinical testing. Allele origin: germline.
Comment: Variant summary: NOTCH3 c.3040C>T (p.Arg1014Cys) results in a non-conservative amino acid change in the encoded protein sequence. Algorithms developed to predict the effect of missense changes on protein structure and function all suggest that this variant is likely to be disruptive. The variant was absent in 239520 control chromosomes. The available data on variant occurrences in the general population are insufficient to allow any conclusion about variant significance. To our knowledge, no occurrence of c.3040C>T in individuals affected with NOTCH3-related conditions and no experimental evidence demonstrating its impact on protein function have been reported. ClinVar contains an entry for this variant (Variation ID: 447824). Based on the evidence outlined above, the variant was classified as uncertain significance.

Athena Diagnostics
Classification: Pathogenic. Last evaluated: 2017-02-10. Review status: criteria provided, single submitter. Criteria: Athena Diagnostics Criteria. Collection method: clinical testing. Allele origin: germline.

NM_000435.3(NOTCH3):c.3040C>T (p.Arg1014Cys)

Gene: NOTCH3 (notch receptor 3; minus strand). Cytogenetic location: 19p13.12.
Variant type: single nucleotide variant.
Coding change: c.3040C>T on transcript NM_000435.3 (MANE Select); coding-DNA position 3040, C replaced by T.
Protein change: p.Arg1014Cys; replaces arginine 1014 with cysteine.
Molecular consequence: missense variant.
Genome position (GRCh38, 1-based): chr19:15,180,783, G>A on the plus strand (C>T on the coding strand, the complement: NOTCH3 is on the minus strand). VCF-style: chr19-15180783-G-A. GRCh37 (hg19) VCF-style: chr19-15291594-G-A.
Other names: short protein forms R1014C.
Identifiers: ClinVar variation 447824 (VCV000447824.2), dbSNP rs376682593, ClinGen allele CA404514328.